The following is an entry in ClinVar:

ClinVar aggregate classification (germline): Likely benign. Review status: criteria provided, multiple submitters, no conflicts (2 of 4 stars). 3 submissions from 3 submitters: Likely benign (3). Last evaluated 2025-05-27.

Conditions:
Developmental and epileptic encephalopathy, 14 (DEE14). Also called: Early infantile epileptic encephalopathy 14. Identifiers: Orphanet 293181, MedGen C3554195, MONDO:0013989, OMIM 614959.
Autosomal dominant nocturnal frontal lobe epilepsy 5. Also called: KCNT1-Related Epilepsy; CILIARY DYSKINESIA, PRIMARY, 28, WITHOUT SITUS INVERSUS; CILIARY DYSKINESIA, PRIMARY, 28, WITH SITUS INVERSUS; Epilepsy, nocturnal frontal lobe, 5. Identifiers: Orphanet 98784, MedGen C3554306, MONDO:0014002, OMIM 615005.

Allele frequency attached by ClinVar (database versions not stated): gnomAD 0.00001 and 0.00003; gnomAD exomes 0.00001; ExAC 0.00002; TOPMed 0.00002; 1000 Genomes Project 0.00040; 1000 Genomes Project 30x 0.00047.
gnomAD v4.1: 18 of 1,602,920 alleles (0.0011%); highest among the groups gnomAD compares: South Asian, 0.0055%; no homozygotes.

Submissions (3):

Labcorp Genetics (formerly Invitae), Labcorp
Classification: Likely benign for Autosomal dominant nocturnal frontal lobe epilepsy 5; Developmental and epileptic encephalopathy, 14. Last evaluated: 2025-05-27. Review status: criteria provided, single submitter. Criteria: Invitae Variant Classification Sherloc (09022015). Collection method: clinical testing. Allele origin: germline.

Blueprint Genetics
Classification: Likely benign. Last evaluated: 2023-09-18. Review status: criteria provided, single submitter. Criteria: ACMG Guidelines, 2015. Collection method: clinical testing. Allele origin: germline.

GeneDx
Classification: Likely benign. Last evaluated: 2016-03-30. Review status: criteria provided, single submitter. Criteria: GeneDx Variant Classification (06012015). Collection method: clinical testing. Allele origin: germline. Affected: yes.
Comment: This variant is considered likely benign or benign based on one or more of the following criteria: it is a conservative change, it occurs at a poorly conserved position in the protein, it is predicted to be benign by multiple in silico algorithms, and/or has population frequency not consistent with disease.

NM_020822.3(KCNT1):c.1200+16G>A

Gene: KCNT1 (potassium sodium-activated channel subfamily T member 1; plus strand). Cytogenetic location: 9q34.3.
Variant type: single nucleotide variant.
Coding change: c.1200+16G>A on transcript NM_020822.3 (MANE Select); 16 bases into the intron after coding-DNA position 1200, G replaced by A.
Molecular consequence: intron variant.
Genome position (GRCh38, 1-based): chr9:135,765,211, G>A. VCF-style: chr9-135765211-G-A. GRCh37 (hg19) VCF-style: chr9-138657057-G-A.
Other names: c.1065+16G>A (NM_001272003.2).
Identifiers: ClinVar variation 384923 (VCV000384923.7), dbSNP rs542132567, ClinGen allele CA5326799.